The following is an entry in ClinVar:

ClinVar aggregate classification (germline): Uncertain significance (1 of 4 stars; one submission).

Conditions:
Ataxia-telangiectasia syndrome (AT). Also called: Ataxia-telangiectasia, complementation group D; LOUIS-BAR SYNDROME; ATAXIA-TELANGIECTASIA, COMPLEMENTATION GROUP A; ATAXIA-TELANGIECTASIA, FRESNO VARIANT; Ataxia telangiectasia (A-T); Cerebello-oculocutaneous telangiectasia. Identifiers: Orphanet 100, MedGen C0004135, MONDO:0008840, OMIM 208900.

Submission:

Labcorp Genetics (formerly Invitae), Labcorp
Classification: Uncertain significance for Ataxia-telangiectasia syndrome. Last evaluated: 2023-09-23. Review status: criteria provided, single submitter. Criteria: Invitae Variant Classification Sherloc (09022015). Collection method: clinical testing. Allele origin: germline.
Comment: This sequence change replaces valine, which is neutral and non-polar, with phenylalanine, which is neutral and non-polar, at codon 1602 of the ATM protein (p.Val1602Phe). This variant is not present in population databases (gnomAD no frequency). This variant has not been reported in the literature in individuals affected with ATM-related conditions. An algorithm developed to predict the effect of missense changes on protein structure and function (PolyPhen-2) suggests that this variant is likely to be tolerated. In summary, the available evidence is currently insufficient to determine the role of this variant in disease. Therefore, it has been classified as a Variant of Uncertain Significance.

NM_000051.4(ATM):c.4804G>T (p.Val1602Phe)

Gene: ATM (ATM serine/threonine kinase; plus strand). Cytogenetic location: 11q22.3.
Variant type: single nucleotide variant.
Coding change: c.4804G>T on transcript NM_000051.4 (MANE Select); coding-DNA position 4804, G replaced by T.
Protein change: p.Val1602Phe; replaces valine 1602 with phenylalanine.
Molecular consequence: missense variant.
Genome position (GRCh38, 1-based): chr11:108,294,954, G>T. VCF-style: chr11-108294954-G-T. GRCh37 (hg19) VCF-style: chr11-108165681-G-T.
Other names: c.4804G>T, p.Val1602Phe (NM_001351834.2); short protein forms V1602F.
Identifiers: ClinVar variation 2763029 (VCV002763029.3), dbSNP rs2546942597, ClinGen allele CA382536487.